The following is an entry in ClinVar:

NM_000222.3(KIT):c.2179G>A (p.Gly727Arg)

Gene: KIT (KIT proto-oncogene, receptor tyrosine kinase; plus strand). Cytogenetic location: 4q12.
Variant type: single nucleotide variant.
Coding change: c.2179G>A on transcript NM_000222.3 (MANE Select); coding-DNA position 2179, G replaced by A.
Protein change: p.Gly727Arg; replaces glycine 727 with arginine.
Molecular consequence: missense variant.
Genome position (GRCh38, 1-based): chr4:54,731,365, G>A. VCF-style: chr4-54731365-G-A. GRCh37 (hg19) VCF-style: chr4-55597531-G-A.
Other names: c.2164G>A, p.Gly722Arg (NM_001385286.1); c.2170G>A, p.Gly724Arg (NM_001385288.1); c.2179G>A, p.Gly727Arg (NM_001385290.1); c.2167G>A, p.Gly723Arg (NM_001385292.1, NM_001093772.2); c.2182G>A, p.Gly728Arg (NM_001385284.1); c.2176G>A, p.Gly726Arg (NM_001385285.1); short protein forms G728R, G723R, G727R, G722R, G724R, G726R.
Identifiers: ClinVar variation 2912789 (VCV002912789.3), dbSNP rs1722585213, ClinGen allele CA356910241.

ClinVar aggregate classification (germline): Uncertain significance (1 of 4 stars; one submission).

Conditions:
Gastrointestinal stromal tumor. Also called: Gastrointestinal stromal tumor, somatic; Gastrointestinal stroma tumor. Identifiers: Orphanet 44890, MedGen C0238198, MeSH D046152, MONDO:0011719, OMIM 606764, HP:0100723.

Submission:

Labcorp Genetics (formerly Invitae), Labcorp
Classification: Uncertain significance for Gastrointestinal stromal tumor. Last evaluated: 2023-04-12. Review status: criteria provided, single submitter. Criteria: Invitae Variant Classification Sherloc (09022015). Collection method: clinical testing. Allele origin: germline.
Comment: In summary, the available evidence is currently insufficient to determine the role of this variant in disease. Therefore, it has been classified as a Variant of Uncertain Significance. An algorithm developed to predict the effect of missense changes on protein structure and function (PolyPhen-2) suggests that this variant is likely to be disruptive. This variant has not been reported in the literature in individuals affected with KIT-related conditions. This variant is not present in population databases (gnomAD no frequency). This sequence change replaces glycine, which is neutral and non-polar, with arginine, which is basic and polar, at codon 727 of the KIT protein (p.Gly727Arg).